The following is an entry in ClinVar:

ClinVar aggregate classification (germline): Benign/Likely benign. Review status: criteria provided, multiple submitters, no conflicts (2 of 4 stars). 4 submissions from 4 submitters: Benign (1); Likely benign (3). Last evaluated 2025-04-08.

Conditions:
Hereditary cancer-predisposing syndrome. Also called: Tumor predisposition; Hereditary Cancer Syndrome; Hereditary neoplastic syndrome; Neoplastic Syndromes, Hereditary. Identifiers: Orphanet 140162, MedGen C0027672, MeSH D009386, MONDO:0015356.
Tuberous sclerosis 1 (TSC1). Identifiers: Orphanet 805, MedGen C1854465, MONDO:0008612, OMIM 191100.

Submissions (4):

Myriad Genetics, Inc.
Classification: Benign for Tuberous sclerosis 1. Last evaluated: 2025-04-08. Review status: criteria provided, single submitter. Criteria: Myriad Autosomal Dominant, Autosomal Recessive and X-Linked Classification Criteria (2023). Collection method: clinical testing. Allele origin: unknown.
Comment: This variant is considered benign. This variant is a silent/synonymous amino acid change and it is not expected to impact splicing.

Labcorp Genetics (formerly Invitae), Labcorp
Classification: Likely benign for Tuberous sclerosis 1. Last evaluated: 2023-04-09. Review status: criteria provided, single submitter. Criteria: Invitae Variant Classification Sherloc (09022015). Collection method: clinical testing. Allele origin: germline.

Sema4
Classification: Likely benign for Hereditary cancer-predisposing syndrome. Last evaluated: 2021-09-25. Review status: criteria provided, single submitter. Criteria: Sema4 Curation Guidelines. Collection method: curation. Allele origin: germline.

Ambry Genetics
Classification: Likely benign for Hereditary cancer-predisposing syndrome. Last evaluated: 2020-03-27. Review status: criteria provided, single submitter. Criteria: Ambry Variant Classification Scheme 2023. Collection method: clinical testing. Allele origin: germline.

NM_000368.5(TSC1):c.660C>G (p.Val220=)

Gene: TSC1 (TSC complex subunit 1; minus strand). Cytogenetic location: 9q34.13.
Variant type: single nucleotide variant.
Coding change: c.660C>G on transcript NM_000368.5 (MANE Select); coding-DNA position 660, C replaced by G.
Protein change: p.Val220=; no amino-acid change (valine 220 retained).
Molecular consequence: synonymous variant.
Genome position (GRCh38, 1-based): chr9:132,921,822, G>C on the plus strand (C>G on the coding strand, the complement: TSC1 is on the minus strand). VCF-style: chr9-132921822-G-C. GRCh37 (hg19) VCF-style: chr9-135797209-G-C.
Other names: c.660C>G, p.Val220= (NM_001162426.2); c.507C>G, p.Val169= (NM_001162427.2); c.297C>G, p.Val99= (NM_001362177.2).
Identifiers: ClinVar variation 1537790 (VCV001537790.12), dbSNP rs1588346808, ClinGen allele CA467593763.